The following is an entry in ClinVar:

NM_007294.4(BRCA1):c.302-5T>C

Gene: BRCA1 (BRCA1 DNA repair associated; minus strand). Cytogenetic location: 17q21.31.
Variant type: single nucleotide variant.
Coding change: c.302-5T>C on transcript NM_007294.4 (MANE Select); 5 bases into the intron before coding-DNA position 302, T replaced by C.
Molecular consequence: intron variant.
Genome position (GRCh38, 1-based): chr17:43,104,266, A>G on the plus strand (T>C on the coding strand, the complement: BRCA1 is on the minus strand). VCF-style: chr17-43104266-A-G. GRCh37 (hg19) VCF-style: chr17-41256283-A-G.
Other names: c.92-5T>C (NM_001407955.1, NM_001408493.1, NM_001408479.1 and 58 more transcripts); c.302-5T>C (NM_001407665.1, NM_001407980.1, NM_001407993.1 and 164 more transcripts); c.170-5T>C (NM_001408451.1); c.161-5T>C (NM_001407932.1, NM_001408511.1, NM_001408457.1 and 99 more transcripts); c.-80-5T>C (NM_001407960.1, NM_001407965.1, NM_001407959.1 and 4 more transcripts); c.224-5T>C (NM_001408413.1, NM_001407660.1, NM_001407661.1 and 21 more transcripts); c.293-5T>C (NM_001407646.1, NM_001408408.1, NM_001407647.1); c.-218-9406T>C (NM_001407967.1, NM_001407966.1).
Identifiers: ClinVar variation 230861 (VCV000230861.26), dbSNP rs778668665, ClinGen allele CA10580706.

ClinVar aggregate classification (germline): Likely benign. Review status: criteria provided, multiple submitters, no conflicts (2 of 4 stars). 5 submissions from 5 submitters: Likely benign (5). Last evaluated 2025-08-11.

Conditions:
Hereditary cancer-predisposing syndrome. Also called: Neoplastic Syndromes, Hereditary; Tumor predisposition; Hereditary Cancer Syndrome; Hereditary neoplastic syndrome. Identifiers: Orphanet 140162, MedGen C0027672, MeSH D009386, MONDO:0015356.
Hereditary breast ovarian cancer syndrome. Also called: BRCA1- and BRCA2-Associated Hereditary Breast and Ovarian Cancer; Hereditary breast and ovarian cancer syndrome; Hereditary breast and ovarian cancer; Hereditary breast and ovarian cancer syndrome (HBOC); Breast and ovarian cancer; Hereditary breast and/or ovarian cancer syndrome. Identifiers: Orphanet 145, MedGen C0677776, MeSH D061325, MONDO:0003582. Disease mechanism: loss of function.

Allele frequency attached by ClinVar (database versions not stated): TOPMed 0.00001.
gnomAD v4.1: 2 of 1,608,662 alleles (0.00012%); highest among the groups gnomAD compares: Middle Eastern, 0.016%; no homozygotes.

Submissions (5):

Labcorp Genetics (formerly Invitae), Labcorp
Classification: Likely benign for Hereditary breast ovarian cancer syndrome. Last evaluated: 2025-08-11. Review status: criteria provided, single submitter. Criteria: Invitae Variant Classification Sherloc (09022015). Collection method: clinical testing. Allele origin: germline.

Women's Health and Genetics/Laboratory Corporation of America, LabCorp
Classification: Likely benign. Last evaluated: 2025-04-16. Review status: criteria provided, single submitter. Criteria: LabCorp Variant Classification Summary - May 2015. Collection method: clinical testing. Allele origin: germline.
Comment: Variant summary: BRCA1 c.302-5T>C alters a non-conserved nucleotide located at a position not widely known to affect splicing. Consensus agreement among computation tools predicts no significant impact on normal splicing. In addition, the variant was shown to have no impact on splicing based on patient mRNA (Leman_2018, Gelli_2019). The variant allele was found at a frequency of 6.2e-07 in 1601684 control chromosomes (gnomAD v4.1). The available data on variant occurrences in the general population are insufficient to allow any conclusion about variant significance. A variant, described with the legacy name as c.421-5C>T (expected: T>C), has been reported in the literature in an individual affected with ovarian cancer (Manguoglu_2010), however no supportive evidence for causality was provided. This report does not provide unequivocal conclusions about association of the variant with Hereditary Breast And Ovarian Cancer Syndrome. To our knowledge, no experimental evidence demonstrating an impact on protein function has been reported. The following publications have been ascertained in the context of this evaluation (PMID: 30832263, 29750258, 21156238). ClinVar contains an entry for this variant (Variation ID: 230861). Based on the evidence outlined above, the variant was classified as likely benign.

Center for Genomic Medicine, Rigshospitalet, Copenhagen University Hospital
Classification: Likely benign. Last evaluated: 2025-03-04. Review status: criteria provided, single submitter. Criteria: ACMG Guidelines, 2015. Collection method: clinical testing. Allele origin: germline.

Ambry Genetics
Classification: Likely benign for Hereditary cancer-predisposing syndrome. Last evaluated: 2023-11-17. Review status: criteria provided, single submitter. Criteria: Ambry Variant Classification Scheme 2023. Collection method: clinical testing. Allele origin: germline.

Color Diagnostics, LLC DBA Color Health
Classification: Likely benign for Hereditary cancer-predisposing syndrome. Last evaluated: 2020-03-04. Review status: criteria provided, single submitter. Criteria: ACMG Guidelines, 2015. Collection method: clinical testing. Allele origin: germline.

Literature cited by the submitters: PubMed 21156238 (cited by Women's Health and Genetics/Laboratory Corporation of America, LabCorp); PubMed 29750258 (cited by Women's Health and Genetics/Laboratory Corporation of America, LabCorp); PubMed 30832263 (cited by 3 submitters).